The following is an entry in ClinVar:

ClinVar aggregate classification (germline): Likely pathogenic (1 of 4 stars; one submission).

Conditions:
Charcot-Marie-Tooth disease type 4A. Also called: Charcot-Marie-Tooth disease, demyelinating, autosomal recessive, type 4a. Identifiers: Orphanet 99948, MedGen C1859198, MONDO:0008961, OMIM 214400.

Submission:

Labcorp Genetics (formerly Invitae), Labcorp
Classification: Likely pathogenic for Charcot-Marie-Tooth disease type 4A. Last evaluated: 2016-08-16. Review status: criteria provided, single submitter. Criteria: Invitae Variant Classification Sherloc (09022015). Collection method: clinical testing. Allele origin: germline.
Comment: This variant is a gross deletion that includes the first 96 nucleotides of exon 3 and the last 1790 nucleotides of intron 2 of the GDAP1 gene. This leads to an in-frame deletion, preserving the integrity of the reading frame. For these reasons, this variant has been classified as Likely Pathogenic. This deletion encompasses a region of the GDAP1 protein where a significant number of previously reported GDAP1 missense mutations are found (PMID: ¬†12601710, 14561495, 21753178, 23628762). These observations suggest that this region of GDAP1 is functionally important. This variant has not been reported in the literature in individuals with a GDAP1-related disease.

NC_000008.10:g.(?_75272366)_(75272551_?)del

Gene: GDAP1 (ganglioside induced differentiation associated protein 1; plus strand). Cytogenetic location: 8q21.11.
Variant type: Deletion.
Identifiers: ClinVar variation 1066699 (VCV001066699.8).